The following is an entry in ClinVar:

ClinVar aggregate classification (germline): Likely benign. Review status: criteria provided, multiple submitters, no conflicts (2 of 4 stars). 3 submissions from 3 submitters: Likely benign (3). Last evaluated 2025-10-08.

Conditions:
Cardiomyopathy (CMYO). Also called: Cardiomyopathies. Identifiers: Orphanet 167848, MedGen C0878544, MONDO:0004994, HP:0001638. Inheritance: Various modes of inheritance.
Cardiovascular phenotype. Identifiers: MedGen CN230736.
Hypertrophic cardiomyopathy. Also called: HYPERTROPHIC MYOCARDIOPATHY. Identifiers: Orphanet 217569, MedGen C0007194, MeSH D002312, MONDO:0005045, HP:0001639.

Allele frequency attached by ClinVar (database versions not stated): gnomAD exomes below 0.00001; gnomAD 0.00001.
gnomAD v4.1: 3 of 1,614,032 alleles (0.00019%); highest among the groups gnomAD compares: Admixed American, 0.0017%; no homozygotes.

Submissions (3):

Labcorp Genetics (formerly Invitae), Labcorp
Classification: Likely benign for Hypertrophic cardiomyopathy. Last evaluated: 2025-10-08. Review status: criteria provided, single submitter. Criteria: Invitae Variant Classification Sherloc (09022015). Collection method: clinical testing. Allele origin: germline.

All of Us Research Program, National Institutes of Health
Classification: Likely benign for Cardiomyopathy. Last evaluated: 2023-12-13. Review status: criteria provided, single submitter. Criteria: ACMG Guidelines, 2015. Collection method: clinical testing. Allele origin: germline. Inheritance: Autosomal dominant inheritance. Observed: 1 variant allele, 1 heterozygote.
Comment: This study involves interpretation of variants in research participants for the purpose of population health screening. Participant phenotype was not available at the time of variant classification. Additional details can be found in publication PMID: 35346344, PMCID: PMC8962531

Ambry Genetics
Classification: Likely benign for Cardiovascular phenotype. Last evaluated: 2019-06-28. Review status: criteria provided, single submitter. Criteria: Ambry Variant Classification Scheme 2023. Collection method: clinical testing. Allele origin: germline.

NM_000257.4(MYH7):c.4464T>C (p.Tyr1488=)

Genes: MHRT (myosin heavy chain associated RNA transcript; plus strand), MYH7 (myosin heavy chain 7; minus strand). Cytogenetic location: 14q11.2.
Variant type: single nucleotide variant.
Coding change: c.4464T>C on transcript NM_000257.4 (MANE Select); coding-DNA position 4464, T replaced by C.
Protein change: p.Tyr1488=; no amino-acid change (tyrosine 1488 retained).
Molecular consequence: synonymous variant.
Genome position (GRCh38, 1-based): chr14:23,417,208, A>G on the plus strand (T>C on the coding strand, the complement: MYH7 is on the minus strand). VCF-style: chr14-23417208-A-G. GRCh37 (hg19) VCF-style: chr14-23886417-A-G.
Other names: c.4464T>C, p.Tyr1488= (NM_001407004.1).
Identifiers: ClinVar variation 1740787 (VCV001740787.6), dbSNP rs1384457516, ClinGen allele CA485617310.